The following is an entry in ClinVar:

ClinVar aggregate classification (germline): Likely benign (1 of 4 stars; one submission).

Allele frequency attached by ClinVar (database versions not stated): 1000 Genomes Project 30x 0.00016; 1000 Genomes Project 0.00020; ESP Exome Variant Server 0.00023; gnomAD exomes 0.00033; gnomAD 0.00034; TOPMed 0.00040; ExAC 0.00069.

Submission:

CeGaT Center for Human Genetics Tuebingen
Classification: Likely benign. Last evaluated: 2022-05-01. Review status: criteria provided, single submitter. Criteria: CeGaT Center For Human Genetics Tuebingen Variant Classification Criteria Version 2. Collection method: clinical testing. Allele origin: germline. Affected: yes. Observed: 1 variant allele.
Comment: CEP68: BP4, BP7

NM_015147.3(CEP68):c.1230T>C (p.Arg410=)

Gene: CEP68 (centrosomal protein 68; plus strand). Cytogenetic location: 2p14.
Variant type: single nucleotide variant.
Coding change: c.1230T>C on transcript NM_015147.3 (MANE Select); coding-DNA position 1230, T replaced by C.
Protein change: p.Arg410=; no amino-acid change (arginine 410 retained).
Molecular consequence: synonymous variant. On other transcripts: non-coding transcript variant (1).
Genome position (GRCh38, 1-based): chr2:65,072,326, T>C. VCF-style: chr2-65072326-T-C. GRCh37 (hg19) VCF-style: chr2-65299460-T-C.
Other names: c.1230T>C, p.Arg410= (NM_001319100.2, NM_001319101.2, NM_001410838.1).
Identifiers: ClinVar variation 2651007 (VCV002651007.24), dbSNP rs147566910, ClinGen allele CA1686519.